The following is an entry in ClinVar:

ClinVar aggregate classification (germline): Uncertain significance (1 of 4 stars; one submission).

gnomAD v4.1: 4 of 1,474,038 alleles (0.00027%); highest among the groups gnomAD compares: East Asian, 0.0075%; no homozygotes.

Submission:

Labcorp Genetics (formerly Invitae), Labcorp
Classification: Uncertain significance. Last evaluated: 2024-06-10. Review status: criteria provided, single submitter. Criteria: Invitae Variant Classification Sherloc (09022015). Collection method: clinical testing. Allele origin: germline.
Comment: This sequence change replaces proline, which is neutral and non-polar, with threonine, which is neutral and polar, at codon 435 of the KMT2B protein (p.Pro435Thr). This variant is not present in population databases (gnomAD no frequency). This variant has not been reported in the literature in individuals affected with KMT2B-related conditions. Advanced modeling of protein sequence and biophysical properties (such as structural, functional, and spatial information, amino acid conservation, physicochemical variation, residue mobility, and thermodynamic stability) performed at Invitae indicates that this missense variant is not expected to disrupt KMT2B protein function with a negative predictive value of 95%. In summary, the available evidence is currently insufficient to determine the role of this variant in disease. Therefore, it has been classified as a Variant of Uncertain Significance.

NM_014727.3(KMT2B):c.1303C>A (p.Pro435Thr)

Gene: KMT2B (lysine methyltransferase 2B; plus strand). Cytogenetic location: 19q13.12.
Variant type: single nucleotide variant.
Coding change: c.1303C>A on transcript NM_014727.3 (MANE Select); coding-DNA position 1303, C replaced by A.
Protein change: p.Pro435Thr; replaces proline 435 with threonine.
Molecular consequence: missense variant.
Genome position (GRCh38, 1-based): chr19:35,720,650, C>A. VCF-style: chr19-35720650-C-A. GRCh37 (hg19) VCF-style: chr19-36211552-C-A.
Other names: short protein forms P435T.
Identifiers: ClinVar variation 3656097 (VCV003656097.2).